The following is an entry in ClinVar:

NM_002860.4(ALDH18A1):c.691C>G (p.Pro231Ala)

Gene: ALDH18A1 (aldehyde dehydrogenase 18 family member A1; minus strand). Cytogenetic location: 10q24.1.
Variant type: single nucleotide variant.
Coding change: c.691C>G on transcript NM_002860.4 (MANE Select); coding-DNA position 691, C replaced by G.
Protein change: p.Pro231Ala; replaces proline 231 with alanine.
Molecular consequence: missense variant.
Genome position (GRCh38, 1-based): chr10:95,633,517, G>C on the plus strand (C>G on the coding strand, the complement: ALDH18A1 is on the minus strand). VCF-style: chr10-95633517-G-C. GRCh37 (hg19) VCF-style: chr10-97393274-G-C.
Other names: c.691C>G, p.Pro231Ala (NM_001017423.2, NM_001323413.2, NM_001323414.2 and 1 more transcripts); c.358C>G, p.Pro120Ala (NM_001323412.2, NM_001323416.2, NM_001323418.2); c.586C>G, p.Pro196Ala (NM_001323417.2); c.55C>G, p.Pro19Ala (NM_001323419.2); short protein forms P120A, P196A, P19A, P231A.
Identifiers: ClinVar variation 4787850 (VCV004787850.1).

ClinVar aggregate classification (germline): Uncertain significance (1 of 4 stars; one submission).

Conditions:
Cutis laxa, autosomal dominant 3 (ADCL3). Identifiers: Orphanet 90348, MedGen C4225268, MONDO:0014706, OMIM 616603.
Autosomal dominant spastic paraplegia type 9. Identifiers: MedGen C1832669, MONDO:0015091.
de Barsy syndrome. Also called: Cutis laxa-corneal clouding-oligophrenia syndrome. Identifiers: Orphanet 2962, MedGen C0268354, MONDO:0017569.

gnomAD v4.1: 1 of 1,614,138 alleles (0.000062%); highest among the groups gnomAD compares: Admixed American, 0.0017%; no homozygotes.

Submission:

Labcorp Genetics (formerly Invitae), Labcorp
Classification: Uncertain significance for Autosomal dominant spastic paraplegia type 9; de Barsy syndrome; Cutis laxa, autosomal dominant 3. Last evaluated: 2025-05-24. Review status: criteria provided, single submitter. Criteria: Invitae Variant Classification Sherloc (09022015). Collection method: clinical testing. Allele origin: germline.
Comment: This sequence change replaces proline, which is neutral and non-polar, with alanine, which is neutral and non-polar, at codon 231 of the ALDH18A1 protein (p.Pro231Ala). This variant is present in population databases (rs556900387, gnomAD 0.003%). This variant has not been reported in the literature in individuals affected with ALDH18A1-related conditions. Invitae Evidence Modeling of protein sequence and biophysical properties (such as structural, functional, and spatial information, amino acid conservation, physicochemical variation, residue mobility, and thermodynamic stability) indicates that this missense variant is not expected to disrupt ALDH18A1 protein function with a negative predictive value of 80%. In summary, the available evidence is currently insufficient to determine the role of this variant in disease. Therefore, it has been classified as a Variant of Uncertain Significance.